The following is an entry in ClinVar:

NM_002435.3(MPI):c.706dup (p.Glu236fs)

Gene: MPI (mannose phosphate isomerase; plus strand). Cytogenetic location: 15q24.1.
Variant type: Duplication.
Coding change: c.706dup on transcript NM_002435.3 (MANE Select); coding-DNA position 706, one base duplicated (G; older notation c.706dupG).
Protein change: p.Glu236fs; shifts the reading frame from glutamic acid 236.
Molecular consequence: frameshift variant.
Genome position (GRCh38, 1-based): chr15:74,896,187, G duplicated; the last of 4 consecutive G bases (chr15:74,896,184-74,896,187); duplicating any one gives the same sequence. VCF-style (leftmost placement, unchanged base first): chr15-74896183-T-TG. GRCh37 (hg19) VCF-style: chr15-75188524-T-TG.
Other names: c.706dup, p.Glu236fs (NM_001289155.2); c.556dup, p.Glu186fs (NM_001289156.2); c.523dup, p.Glu175fs (NM_001289157.2); c.646dup, p.Glu216fs (NM_001330372.2); short protein forms E175fs, E186fs, E236fs, E216fs.
Identifiers: ClinVar variation 2086713 (VCV002086713.4), dbSNP rs2505825222, ClinGen allele CA2580089994.

ClinVar aggregate classification (germline): Pathogenic (1 of 4 stars; one submission).

Conditions:
MPI-congenital disorder of glycosylation. Also called: CONGENITAL DISORDER OF GLYCOSYLATION, TYPE Ib; CDG Ib; MPI DEFICIENCY; PROTEIN-LOSING ENTEROPATHY-HEPATIC FIBROSIS SYNDROME; MANNOSEPHOSPHATE ISOMERASE DEFICIENCY; MPI-CDG. Identifiers: Orphanet 79319, MedGen C1865145, MONDO:0011257, OMIM 602579.

Submission:

Labcorp Genetics (formerly Invitae), Labcorp
Classification: Pathogenic for MPI-congenital disorder of glycosylation. Last evaluated: 2023-06-20. Review status: criteria provided, single submitter. Criteria: Invitae Variant Classification Sherloc (09022015). Collection method: clinical testing. Allele origin: germline.
Comment: For these reasons, this variant has been classified as Pathogenic. ClinVar contains an entry for this variant (Variation ID: 2086713). This variant has not been reported in the literature in individuals affected with MPI-related conditions. This variant is not present in population databases (gnomAD no frequency). This sequence change creates a premature translational stop signal (p.Glu236Glyfs*13) in the MPI gene. It is expected to result in an absent or disrupted protein product. Loss-of-function variants in MPI are known to be pathogenic (PMID: 19862844).

Literature cited by the submitters: PubMed 19862844.